The following is an entry in ClinVar:

ClinVar aggregate classification (germline): Pathogenic (1 of 4 stars; one submission).

Conditions:
Creatine transporter deficiency (CCDS1). Also called: CEREBRAL CREATINE DEFICIENCY SYNDROME 1; Creatine Transporter (CRTR) Deficiency; Mental retardation , X-linked with seizures, short stature and midface hypoplasia; Mental retardation , X-linked, with creatine transport deficiency; X-linked creatine transporter deficiency; X-linked creatine deficiency syndrome. Identifiers: Orphanet 52503, MedGen C1845862, MONDO:0010305, OMIM 300352.

Submission:

Labcorp Genetics (formerly Invitae), Labcorp
Classification: Pathogenic for Creatine transporter deficiency. Last evaluated: 2022-06-19. Review status: criteria provided, single submitter. Criteria: Invitae Variant Classification Sherloc (09022015). Collection method: clinical testing. Allele origin: germline.
Comment: This sequence change creates a premature translational stop signal (p.Lys252Argfs*56) in the SLC6A8 gene. It is expected to result in an absent or disrupted protein product. Loss-of-function variants in SLC6A8 are known to be pathogenic (PMID: 22281021). This variant is not present in population databases (gnomAD no frequency). This variant has not been reported in the literature in individuals affected with SLC6A8-related conditions. For these reasons, this variant has been classified as Pathogenic.

Literature cited by the submitters: PubMed 22281021.

NM_005629.4(SLC6A8):c.755del (p.Lys252fs)

Gene: SLC6A8 (solute carrier family 6 member 8; plus strand). Cytogenetic location: Xq28.
Variant type: Deletion.
Coding change: c.755del on transcript NM_005629.4 (MANE Select); coding-DNA position 755, one base deleted (A; older notation c.755delA).
Protein change: p.Lys252fs; shifts the reading frame from lysine 252.
Molecular consequence: frameshift variant.
Genome position (GRCh38, 1-based): chrX:153,692,085, A deleted; the last of 2 consecutive A bases (chrX:153,692,084-153,692,085); deleting either gives the same sequence. VCF-style (leftmost placement, unchanged base first): chrX-153692083-GA-G. GRCh37 (hg19) VCF-style: chrX-152957538-GA-G.
Other names: c.755del, p.Lys252fs (NM_001142805.2); c.410del, p.Lys137fs (NM_001142806.1); short protein forms K137fs, K252fs.
Identifiers: ClinVar variation 1956604 (VCV001956604.5), dbSNP rs2522158435, ClinGen allele CA2580101685.
Genomic context (GRCh38, chrX:153,692,083, plus strand): 5'-CAACTGGGAGGTGACCCTTTGTCTGCTGGCCTGCTGGGTGCTGGTCTACTTCTGTGTCTG[GA>G]AGGGGGTCAAATCCACGGGAAAGGTACCACTAGAGGCATGCAGCGGGGAGGGTGGCTCAG-3'